The following is an entry in ClinVar:

NM_004329.3(BMPR1A):c.22A>T (p.Ile8Phe)

Gene: BMPR1A (bone morphogenetic protein receptor type 1A; plus strand). Cytogenetic location: 10q23.2.
Variant type: single nucleotide variant.
Coding change: c.22A>T on transcript NM_004329.3 (MANE Select); coding-DNA position 22, A replaced by T.
Protein change: p.Ile8Phe; replaces isoleucine 8 with phenylalanine.
Molecular consequence: missense variant.
Genome position (GRCh38, 1-based): chr10:86,876,040, A>T. VCF-style: chr10-86876040-A-T. GRCh37 (hg19) VCF-style: chr10-88635797-A-T.
Other names: c.22A>T, p.Ile8Phe (NM_001406559.1, NM_001406560.1, NM_001406561.1 and 23 more transcripts); c.-58A>T (NM_001406588.1); short protein forms I8F.
Identifiers: ClinVar variation 1789248 (VCV001789248.5), dbSNP rs863224719, ClinGen allele CA377774784.

ClinVar aggregate classification (germline): Uncertain significance. Review status: criteria provided, multiple submitters, no conflicts (2 of 4 stars). 2 submissions from 2 submitters: Uncertain significance (2). Last evaluated 2023-03-21.

Conditions:
Hereditary cancer-predisposing syndrome. Also called: Neoplastic Syndromes, Hereditary; Tumor predisposition; Hereditary neoplastic syndrome; Hereditary Cancer Syndrome. Identifiers: Orphanet 140162, MedGen C0027672, MeSH D009386, MONDO:0015356.
Juvenile polyposis syndrome (JPS). Identifiers: Orphanet 2929, MedGen C0345893, MONDO:0017380, OMIM 174900.

Submissions (2):

Labcorp Genetics (formerly Invitae), Labcorp
Classification: Uncertain significance for Juvenile polyposis syndrome. Last evaluated: 2023-03-21. Review status: criteria provided, single submitter. Criteria: Invitae Variant Classification Sherloc (09022015). Collection method: clinical testing. Allele origin: germline.
Comment: In summary, the available evidence is currently insufficient to determine the role of this variant in disease. Therefore, it has been classified as a Variant of Uncertain Significance. Advanced modeling of protein sequence and biophysical properties (such as structural, functional, and spatial information, amino acid conservation, physicochemical variation, residue mobility, and thermodynamic stability) performed at Invitae indicates that this missense variant is not expected to disrupt BMPR1A protein function. ClinVar contains an entry for this variant (Variation ID: 1789248). This variant has not been reported in the literature in individuals affected with BMPR1A-related conditions. This variant is not present in population databases (gnomAD no frequency). This sequence change replaces isoleucine, which is neutral and non-polar, with phenylalanine, which is neutral and non-polar, at codon 8 of the BMPR1A protein (p.Ile8Phe).

Ambry Genetics
Classification: Uncertain significance for Hereditary cancer-predisposing syndrome. Last evaluated: 2021-03-23. Review status: criteria provided, single submitter. Criteria: Ambry Variant Classification Scheme 2023. Collection method: clinical testing. Allele origin: germline.
Comment: The p.I8F variant (also known as c.22A>T), located in coding exon 1 of the BMPR1A gene, results from an A to T substitution at nucleotide position 22. The isoleucine at codon 8 is replaced by phenylalanine, an amino acid with highly similar properties. This amino acid position is well conserved in available vertebrate species. In addition, this alteration is predicted to be tolerated by in silico analysis. Since supporting evidence is limited at this time, the clinical significance of this alteration remains unclear.